The following is an entry in ClinVar:

NM_012431.3(SEMA3E):c.322A>C (p.Lys108Gln)

Gene: SEMA3E (semaphorin 3E; minus strand). Cytogenetic location: 7q21.11.
Variant type: single nucleotide variant.
Coding change: c.322A>C on transcript NM_012431.3 (MANE Select); coding-DNA position 322, A replaced by C.
Protein change: p.Lys108Gln; replaces lysine 108 with glutamine.
Molecular consequence: missense variant.
Genome position (GRCh38, 1-based): chr7:83,469,257, T>G on the plus strand (A>C on the coding strand, the complement: SEMA3E is on the minus strand). VCF-style: chr7-83469257-T-G. GRCh37 (hg19) VCF-style: chr7-83098573-T-G.
Other names: c.142A>C, p.Lys48Gln (NM_001178129.2); short protein forms K48Q, K108Q.
Identifiers: ClinVar variation 650126 (VCV000650126.16), dbSNP rs201465097, ClinGen allele CA4322384.

ClinVar aggregate classification (germline): Conflicting classifications of pathogenicity. Review status: criteria provided, conflicting classifications (1 of 4 stars). 4 submissions from 4 submitters: Uncertain significance (1); Likely benign (2). 1 of the submissions does not count toward it. Last evaluated 2026-01-18.

Conditions:
CHARGE syndrome (CHARGE). Also called: Coloboma, heart anomaly, choanal atresia, retardation, genital and ear anomalies; CHARGE association; Hall-Hittner syndrome; Hittner Hirsch Kreh syndrome; CHARGE ASSOCIATION--COLOBOMA, HEART ANOMALY, CHOANAL ATRESIA, RETARDATION, GENITAL AND EAR ANOMALIES. Identifiers: Orphanet 138, MedGen C0265354, MONDO:0008965.
SEMA3E-related disorder. Also called: SEMA3E-related condition.

Allele frequency attached by ClinVar (database versions not stated): gnomAD 0.00004 and 0.00005; TOPMed 0.00014; 1000 Genomes Project 0.00020; ExAC 0.00022; gnomAD exomes 0.00025; 1000 Genomes Project 30x 0.00031.
gnomAD v4.1: 71 of 1,610,624 alleles (0.0044%); highest among the groups gnomAD compares: Admixed American, 0.12%; no homozygotes.

Submissions (4):

Labcorp Genetics (formerly Invitae), Labcorp
Classification: Uncertain significance for CHARGE syndrome. Last evaluated: 2026-01-18. Review status: criteria provided, single submitter. Criteria: Invitae Variant Classification Sherloc (09022015). Collection method: clinical testing. Allele origin: germline.
Comment: This sequence change replaces lysine, which is basic and polar, with glutamine, which is neutral and polar, at codon 108 of the SEMA3E protein (p.Lys108Gln). This variant is present in population databases (rs201465097, gnomAD 0.2%), and has an allele count higher than expected for a pathogenic variant. This variant has not been reported in the literature in individuals affected with SEMA3E-related conditions. ClinVar contains an entry for this variant (Variation ID: 650126). Invitae Evidence Modeling of protein sequence and biophysical properties (such as structural, functional, and spatial information, amino acid conservation, physicochemical variation, residue mobility, and thermodynamic stability) indicates that this missense variant is not expected to disrupt SEMA3E protein function with a negative predictive value of 80%. In summary, the available evidence is currently insufficient to determine the role of this variant in disease. Therefore, it has been classified as a Variant of Uncertain Significance.

Blueprint Genetics
Classification: Likely benign. Last evaluated: 2022-07-20. Review status: criteria provided, single submitter. Criteria: ACMG Guidelines, 2015. Collection method: clinical testing. Allele origin: germline.

GeneDx
Classification: Likely benign. Last evaluated: 2021-04-28. Review status: criteria provided, single submitter. Criteria: GeneDx Variant Classification Process June 2021. Collection method: clinical testing. Allele origin: germline. Affected: yes.
Comment: In silico analysis supports that this missense variant does not alter protein structure/function; Has not been previously published as pathogenic or benign to our knowledge

PreventionGenetics, part of Exact Sciences
Classification: Likely benign for SEMA3E-related condition. Last evaluated: 2022-05-18. Review status: no assertion criteria provided. Collection method: clinical testing. Allele origin: germline. Not counted in ClinVar's aggregate classification.
Comment: This variant is classified as likely benign based on ACMG/AMP sequence variant interpretation guidelines (Richards et al. 2015 PMID: 25741868, with internal and published modifications).